The following is an entry in ClinVar:

ClinVar aggregate classification (germline): Likely benign (0 of 4 stars; one submission).

Conditions:
LIPH-related disorder. Also called: LIPH-related condition.

Allele frequency attached by ClinVar (database versions not stated): gnomAD 0.00003; ExAC 0.00004; gnomAD exomes 0.00005; TOPMed 0.00005; 1000 Genomes Project 30x 0.00016; 1000 Genomes Project 0.00020.
gnomAD v4.1: 74 of 1,614,012 alleles (0.0046%); highest among the groups gnomAD compares: Non-Finnish European, 0.0059%; no homozygotes.

Submission:

PreventionGenetics, part of Exact Sciences
Classification: Likely benign for LIPH-related condition. Last evaluated: 2019-04-08. Review status: no assertion criteria provided. Collection method: clinical testing. Allele origin: germline.
Comment: This variant is classified as likely benign based on ACMG/AMP sequence variant interpretation guidelines (Richards et al. 2015 PMID: 25741868, with internal and published modifications).

NM_139248.3(LIPH):c.258T>C (p.Val86=)

Gene: LIPH (lipase H; minus strand). Cytogenetic location: 3q27.2.
Variant type: single nucleotide variant.
Coding change: c.258T>C on transcript NM_139248.3 (MANE Select); coding-DNA position 258, T replaced by C.
Protein change: p.Val86=; no amino-acid change (valine 86 retained).
Molecular consequence: synonymous variant.
Genome position (GRCh38, 1-based): chr3:185,534,924, A>G on the plus strand (T>C on the coding strand, the complement: LIPH is on the minus strand). VCF-style: chr3-185534924-A-G. GRCh37 (hg19) VCF-style: chr3-185252712-A-G.
Identifiers: ClinVar variation 3047329 (VCV003047329.2), dbSNP rs201236456, ClinGen allele CA2740676.